The following is an entry in ClinVar:

NM_032833.5(PPP1R15B):c.1493C>T (p.Thr498Ile)

Gene: PPP1R15B (protein phosphatase 1 regulatory subunit 15B; minus strand). Cytogenetic location: 1q32.1.
Variant type: single nucleotide variant.
Coding change: c.1493C>T on transcript NM_032833.5 (MANE Select); coding-DNA position 1493, C replaced by T.
Protein change: p.Thr498Ile; replaces threonine 498 with isoleucine.
Molecular consequence: missense variant.
Genome position (GRCh38, 1-based): chr1:204,409,919, G>A on the plus strand (C>T on the coding strand, the complement: PPP1R15B is on the minus strand). VCF-style: chr1-204409919-G-A. GRCh37 (hg19) VCF-style: chr1-204379047-G-A.
Other names: short protein forms T498I.
Identifiers: ClinVar variation 3692005 (VCV003692005.2).

ClinVar aggregate classification (germline): Uncertain significance (1 of 4 stars; one submission).

Submission:

Labcorp Genetics (formerly Invitae), Labcorp
Classification: Uncertain significance. Last evaluated: 2024-07-12. Review status: criteria provided, single submitter. Criteria: Invitae Variant Classification Sherloc (09022015). Collection method: clinical testing. Allele origin: germline.
Comment: This sequence change replaces threonine, which is neutral and polar, with isoleucine, which is neutral and non-polar, at codon 498 of the PPP1R15B protein (p.Thr498Ile). This variant is present in population databases (rs761233903, gnomAD 0.02%). This variant has not been reported in the literature in individuals affected with PPP1R15B-related conditions. Advanced modeling of protein sequence and biophysical properties (such as structural, functional, and spatial information, amino acid conservation, physicochemical variation, residue mobility, and thermodynamic stability) performed at Invitae indicates that this missense variant is expected to disrupt PPP1R15B protein function with a positive predictive value of 80%. In summary, the available evidence is currently insufficient to determine the role of this variant in disease. Therefore, it has been classified as a Variant of Uncertain Significance.